The following is an entry in ClinVar:

NM_006767.4(LZTR1):c.1685T>A (p.Leu562Gln)

Gene: LZTR1 (leucine zipper like post translational regulator 1; plus strand). Cytogenetic location: 22q11.21.
Variant type: single nucleotide variant.
Coding change: c.1685T>A on transcript NM_006767.4 (MANE Select); coding-DNA position 1685, T replaced by A.
Protein change: p.Leu562Gln; replaces leucine 562 with glutamine.
Molecular consequence: missense variant.
Genome position (GRCh38, 1-based): chr22:20,994,627, T>A. VCF-style: chr22-20994627-T-A. GRCh37 (hg19) VCF-style: chr22-21348916-T-A.
Other names: short protein forms L562Q.
Identifiers: ClinVar variation 3648951 (VCV003648951.2).

ClinVar aggregate classification (germline): Uncertain significance (1 of 4 stars; one submission).

Submission:

Labcorp Genetics (formerly Invitae), Labcorp
Classification: Uncertain significance. Last evaluated: 2024-04-06. Review status: criteria provided, single submitter. Criteria: Invitae Variant Classification Sherloc (09022015). Collection method: clinical testing. Allele origin: germline.
Comment: This sequence change replaces leucine, which is neutral and non-polar, with glutamine, which is neutral and polar, at codon 562 of the LZTR1 protein (p.Leu562Gln). This variant is not present in population databases (gnomAD no frequency). This variant has not been reported in the literature in individuals affected with LZTR1-related conditions. Advanced modeling of protein sequence and biophysical properties (such as structural, functional, and spatial information, amino acid conservation, physicochemical variation, residue mobility, and thermodynamic stability) performed at Invitae indicates that this missense variant is not expected to disrupt LZTR1 protein function with a negative predictive value of 80%. Algorithms developed to predict the effect of sequence changes on RNA splicing suggest that this variant may create or strengthen a splice site. In summary, the available evidence is currently insufficient to determine the role of this variant in disease. Therefore, it has been classified as a Variant of Uncertain Significance.